The following is an entry in ClinVar:

NM_002528.7(NTHL1):c.516T>G (p.Gly172=)

Gene: NTHL1 (nth like DNA glycosylase 1; minus strand). Cytogenetic location: 16p13.3.
Variant type: single nucleotide variant.
Coding change: c.516T>G on transcript NM_002528.7 (MANE Select); coding-DNA position 516, T replaced by G.
Protein change: p.Gly172=; no amino-acid change (glycine 172 retained).
Molecular consequence: synonymous variant. On other transcripts: intron variant (1).
Genome position (GRCh38, 1-based): chr16:2,044,639, A>C on the plus strand (T>G on the coding strand, the complement: NTHL1 is on the minus strand). VCF-style: chr16-2044639-A-C. GRCh37 (hg19) VCF-style: chr16-2094640-A-C.
Other names: c.516T>G, p.Gly172= (LRG_1366t1); c.186T>G, p.Gly62= (NM_001318194.2); c.355-913T>G (NM_001318193.2).
Identifiers: ClinVar variation 515928 (VCV000515928.11), dbSNP rs1555492398, ClinGen allele CA492952726.

ClinVar aggregate classification (germline): Likely benign. Review status: criteria provided, multiple submitters, no conflicts (2 of 4 stars). 3 submissions from 3 submitters: Likely benign (3). Last evaluated 2025-07-14.

Conditions:
Hereditary cancer-predisposing syndrome. Also called: Hereditary Cancer Syndrome; Neoplastic Syndromes, Hereditary; Tumor predisposition; Hereditary neoplastic syndrome. Identifiers: Orphanet 140162, MedGen C0027672, MeSH D009386, MONDO:0015356.

Submissions (3):

Labcorp Genetics (formerly Invitae), Labcorp
Classification: Likely benign. Last evaluated: 2025-07-14. Review status: criteria provided, single submitter. Criteria: Invitae Variant Classification Sherloc (09022015). Collection method: clinical testing. Allele origin: germline.

Ambry Genetics
Classification: Likely benign for Hereditary cancer-predisposing syndrome. Last evaluated: 2021-11-23. Review status: criteria provided, single submitter. Criteria: Ambry Variant Classification Scheme 2023. Collection method: clinical testing. Allele origin: germline.

GeneDx
Classification: Likely benign. Last evaluated: 2018-03-01. Review status: criteria provided, single submitter. Criteria: GeneDx Variant Classification (06012015). Collection method: clinical testing. Allele origin: germline. Affected: yes.
Comment: This variant is considered likely benign or benign based on one or more of the following criteria: it is a conservative change, it occurs at a poorly conserved position in the protein, it is predicted to be benign by multiple in silico algorithms, and/or has population frequency not consistent with disease.